The following is an entry in ClinVar:

NM_001005373.4(LRSAM1):c.1598T>G (p.Leu533Arg)

Gene: LRSAM1 (leucine rich repeat and sterile alpha motif containing 1; plus strand). Cytogenetic location: 9q33.3.
Variant type: single nucleotide variant.
Coding change: c.1598T>G on transcript NM_001005373.4 (MANE Select); coding-DNA position 1598, T replaced by G.
Protein change: p.Leu533Arg; replaces leucine 533 with arginine.
Molecular consequence: missense variant. On other transcripts: non-coding transcript variant (2).
Genome position (GRCh38, 1-based): chr9:127,492,896, T>G. VCF-style: chr9-127492896-T-G. GRCh37 (hg19) VCF-style: chr9-130255175-T-G.
Other names: c.1598T>G, p.Leu533Arg (NM_001005374.4, NM_001384142.1, NM_001384143.1 and 1 more transcripts); c.1517T>G, p.Leu506Arg (NM_001190723.3); c.809T>G, p.Leu270Arg (NM_001384144.1); short protein forms L270R, L533R, L506R.
Identifiers: ClinVar variation 2760239 (VCV002760239.3), dbSNP rs2539433876, ClinGen allele CA374934493.

ClinVar aggregate classification (germline): Uncertain significance (1 of 4 stars; one submission).

Conditions:
Charcot-Marie-Tooth disease axonal type 2P. Also called: CHARCOT-MARIE-TOOTH NEUROPATHY, TYPE 2P; Charcot-Marie-Tooth Neuropathy Type 2G; CHARCOT-MARIE-TOOTH DISEASE, AXONAL, TYPE 2G; CMT 2G. Identifiers: Orphanet 300319, Orphanet 99941, MedGen C3280797, MONDO:0013753, OMIM 614436.

Submission:

Labcorp Genetics (formerly Invitae), Labcorp
Classification: Uncertain significance for Charcot-Marie-Tooth disease axonal type 2P. Last evaluated: 2023-09-12. Review status: criteria provided, single submitter. Criteria: Invitae Variant Classification Sherloc (09022015). Collection method: clinical testing. Allele origin: germline.
Comment: This sequence change replaces leucine, which is neutral and non-polar, with arginine, which is basic and polar, at codon 533 of the LRSAM1 protein (p.Leu533Arg). This variant is not present in population databases (gnomAD no frequency). This variant has not been reported in the literature in individuals affected with LRSAM1-related conditions. An algorithm developed to predict the effect of missense changes on protein structure and function (PolyPhen-2) suggests that this variant is likely to be disruptive. In summary, the available evidence is currently insufficient to determine the role of this variant in disease. Therefore, it has been classified as a Variant of Uncertain Significance.